The following is an entry in ClinVar:

ClinVar aggregate classification (germline): Uncertain significance. Review status: criteria provided, multiple submitters, no conflicts (2 of 4 stars). 4 submissions from 4 submitters: Uncertain significance (3). 1 of the submissions does not count toward it. Last evaluated 2025-12-01.

Conditions:
Inborn genetic diseases. Identifiers: MedGen C0950123, MeSH D030342.
Autosomal recessive limb-girdle muscular dystrophy type 2A (LGMDR1). Also called: Limb-girdle muscular dystrophy, type 2A; Calpainopathy; Muscular dystrophy, limb-girdle, type 2A, Amish; LEYDEN-MOEBIUS MUSCULAR DYSTROPHY; MUSCULAR DYSTROPHY, PELVOFEMORAL. Identifiers: Orphanet 267, MedGen C1869123, MONDO:0009675, OMIM 253600. Disease mechanism: loss of function.

Allele frequency attached by ClinVar (database versions not stated): ExAC 0.00001; gnomAD exomes 0.00002; TOPMed 0.00006; gnomAD 0.00008; 1000 Genomes Project 0.00020.
gnomAD v4.1: 30 of 1,350,842 alleles (0.0022%); highest among the groups gnomAD compares: African/African-American, 0.0096%; no homozygotes.

Submissions (4):

Labcorp Genetics (formerly Invitae), Labcorp
Classification: Uncertain significance for Autosomal recessive limb-girdle muscular dystrophy type 2A. Last evaluated: 2025-12-01. Review status: criteria provided, single submitter. Criteria: Invitae Variant Classification Sherloc (09022015). Collection method: clinical testing. Allele origin: germline.
Comment: This sequence change replaces valine, which is neutral and non-polar, with methionine, which is neutral and non-polar, at codon 681 of the CAPN3 protein (p.Val681Met). This variant is present in population databases (rs553169803, gnomAD 0.005%). This variant has not been reported in the literature in individuals affected with CAPN3-related conditions. ClinVar contains an entry for this variant (Variation ID: 536514). Invitae Evidence Modeling of protein sequence and biophysical properties (such as structural, functional, and spatial information, amino acid conservation, physicochemical variation, residue mobility, and thermodynamic stability) indicates that this missense variant is not expected to disrupt CAPN3 protein function with a negative predictive value of 80%. In summary, the available evidence is currently insufficient to determine the role of this variant in disease. Therefore, it has been classified as a Variant of Uncertain Significance.

Ambry Genetics
Classification: Uncertain significance for Inborn genetic diseases. Last evaluated: 2025-08-14. Review status: criteria provided, single submitter. Criteria: Ambry Variant Classification Scheme 2023. Collection method: clinical testing. Allele origin: germline.

Eurofins Ntd Llc (ga)
Classification: Uncertain significance. Last evaluated: 2017-11-16. Review status: criteria provided, single submitter. Criteria: EGL Classification Definitions 2015. Collection method: clinical testing. Allele origin: germline. Observed: 1 variant allele, 1 heterozygote.

Natera, Inc.
Classification: Uncertain significance for Limb-girdle muscular dystrophy type 2A. Last evaluated: 2020-03-11. Review status: no assertion criteria provided. Collection method: clinical testing. Allele origin: germline. Not counted in ClinVar's aggregate classification.

NM_000070.3(CAPN3):c.2041G>A (p.Val681Met)

Gene: CAPN3 (calpain 3; plus strand). Cytogenetic location: 15q15.1.
Variant type: single nucleotide variant.
Coding change: c.2041G>A on transcript NM_000070.3 (MANE Select); coding-DNA position 2041, G replaced by A.
Protein change: p.Val681Met; replaces valine 681 with methionine.
Molecular consequence: missense variant.
Genome position (GRCh38, 1-based): chr15:42,409,835, G>A. VCF-style: chr15-42409835-G-A. GRCh37 (hg19) VCF-style: chr15-42702033-G-A.
Other names: c.2023G>A, p.Val675Met (NM_024344.2); c.1765G>A, p.Val589Met (NM_173087.2); c.505G>A, p.Val169Met (NM_173088.2); c.46G>A, p.Val16Met (NM_173089.2, NM_173090.2); short protein forms V681M, V169M, V589M, V16M, V675M.
Identifiers: ClinVar variation 536514 (VCV000536514.12), dbSNP rs553169803, ClinGen allele CA7511666.
Genomic context (GRCh38, chr15:42,409,835, plus strand): 5'-CTTCCTCCTCAGGACATGGAGATCTGTGCAGATGAGCTCAAGAAGGTCCTTAACACAGTC[G>A]TGAACAAACGTGAGTTGCTCAAACCAAATGGGGGTGGGGTGGGTGGGGAGTCCCGTTGTC-3'
Protein context (NP_000061.1, residues 671-691): DELKKVLNTV[Val681Met]NKHKDLKTHG